The following is an entry in ClinVar:

ClinVar aggregate classification (germline): Benign/Likely benign. Review status: criteria provided, multiple submitters, no conflicts (2 of 4 stars). 2 submissions from 2 submitters: Benign (1); Likely benign (1). Last evaluated 2025-02-16.

Conditions:
Leigh syndrome (NULS). Also called: Leigh's necrotizing encephalopathy; Leigh's disease; Leigh's syndrome; LEIGH SYNDROME, NUCLEAR; Leigh Syndrome (mtDNA deletion); Leigh Disease. Identifiers: Orphanet 506, MedGen C2931891, MONDO:0009723, OMIM 256000.

Submissions (2):

Laboratory of Genetics, Children's Clinical University Hospital Latvia
Classification: Likely benign. Last evaluated: 2025-02-16. Review status: criteria provided, single submitter. Criteria: ACMG Guidelines, 2015. Collection method: clinical testing. Allele origin: germline. Affected: yes.

Wong Mito Lab, Molecular and Human Genetics, Baylor College of Medicine
Classification: Benign for Leigh syndrome. Last evaluated: 2019-10-17. Review status: criteria provided, single submitter. Criteria: Modified ACMG Guidelines (Unpublished). Collection method: clinical testing. Allele origin: germline.
Comment: The NC_012920.1:m.14798T>C (YP_003024038.1:p.Phe18Leu) variant in MTCYB gene is interpretated to be a Benign variant based on the modified ACMG guidelines (unpublished). This variant meets the following evidence codes: BA1

NC_012920.1(MT-CYB):m.14798T>C

Gene: MT-CYB (mitochondrially encoded cytochrome b; plus strand).
Variant type: single nucleotide variant.
Genome position: chrM-14798-T-C.
Identifiers: ClinVar variation 693768 (VCV000693768.2), dbSNP rs28357681, ClinGen allele CA337100164.